The following is an entry in ClinVar:

NM_025136.4(OPA3):c.519A>G (p.Ala173=)

Genes: OPA3 (outer mitochondrial membrane lipid metabolism regulator OPA3; minus strand), OPA3-RTN2 (OPA3-RTN2 readthrough; minus strand). Cytogenetic location: 19q13.32.
Variant type: single nucleotide variant.
Coding change: c.519A>G on transcript NM_025136.4 (MANE Select); coding-DNA position 519, A replaced by G.
Protein change: p.Ala173=; no amino-acid change (alanine 173 retained).
Molecular consequence: synonymous variant. On other transcripts: intron variant (1).
Genome position (GRCh38, 1-based): chr19:45,553,535, T>C on the plus strand (A>G on the coding strand, the complement: OPA3 is on the minus strand). VCF-style: chr19-45553535-T-C. GRCh37 (hg19) VCF-style: chr19-46056793-T-C.
Other names: c.143-24079A>G (NM_001017989.3).
Identifiers: ClinVar variation 680432 (VCV000680432.4), dbSNP rs1200579847, ClinGen allele CA633481118.

ClinVar aggregate classification (germline): Likely benign. Review status: criteria provided, multiple submitters, no conflicts (2 of 4 stars). 2 submissions from 2 submitters: Likely benign (2). Last evaluated 2023-08-17.

Conditions:
3-Methylglutaconic aciduria type 3 (MGCA3). Also called: Costeff Syndrome; OPA3-Related 3-Methylglutaconic Aciduria; OPA3, AUTOSOMAL RECESSIVE; OPTIC ATROPHY 3, AUTOSOMAL RECESSIVE. Identifiers: Orphanet 67047, MedGen C0574084, MONDO:0009787, OMIM 258501.
Optic atrophy 3 (OPA3). Also called: OPTIC ATROPHY 3, AUTOSOMAL DOMINANT; Optic atrophy 3 with cataract; Optic atrophy, cataract, and neurologic disorder. Identifiers: Orphanet 67036, MedGen C1833809, MONDO:0008133, OMIM 165300.

Allele frequency attached by ClinVar (database versions not stated): gnomAD exomes below 0.00001; TOPMed below 0.00001; gnomAD 0.00001 and 0.00002.
gnomAD v4.1: 5 of 1,613,262 alleles (0.00031%); highest among the groups gnomAD compares: African/African-American, 0.004%; no homozygotes.

Submissions (2):

Labcorp Genetics (formerly Invitae), Labcorp
Classification: Likely benign for 3-Methylglutaconic aciduria type 3; Optic atrophy 3. Last evaluated: 2023-08-17. Review status: criteria provided, single submitter. Criteria: Invitae Variant Classification Sherloc (09022015). Collection method: clinical testing. Allele origin: germline.

GeneDx
Classification: Likely benign. Last evaluated: 2018-03-28. Review status: criteria provided, single submitter. Criteria: GeneDx Variant Classification (06012015). Collection method: clinical testing. Allele origin: germline. Affected: yes.
Comment: This variant is considered likely benign or benign based on one or more of the following criteria: it is a conservative change, it occurs at a poorly conserved position in the protein, it is predicted to be benign by multiple in silico algorithms, and/or has population frequency not consistent with disease.